The following is an entry in ClinVar:

NM_015378.4(VPS13D):c.10423AAT[1] (p.Asn3476del)

Gene: VPS13D (vacuolar protein sorting 13 homolog D; plus strand). Cytogenetic location: 1p36.22.
Variant type: Microsatellite.
Coding change: c.10423AAT[1] on transcript NM_015378.4 (MANE Select); one copy of the 3-base unit AAT starting at c.10423; the reference has two copies in a row; one copy, 3 bases deleted; also written c.10426_10428del.
Protein change: p.Asn3476del; deletes asparagine 3476.
Molecular consequence: inframe deletion.
Genome position (GRCh38, 1-based): chr1:12,363,225-12,363,227, AAT deleted; deleting any 3 consecutive bases within chr1:12,363,222-12,363,227 gives the same sequence; the position shown is the placement nearest the transcript's 3' end. VCF-style (leftmost placement, unchanged base first): chr1-12363221-GAAT-G. GRCh37 (hg19) VCF-style: chr1-12423277-GAAT-G.
Other names: p.Asn3476del; c.10348AAT[1], p.Asn3451del (NM_018156.4); c.10426_10428del (NM_015378.4); short protein forms N3451del, N3476del.
Identifiers: ClinVar variation 4540738 (VCV004540738.1).

ClinVar aggregate classification (germline): Uncertain significance (1 of 4 stars; one submission).

Submission:

Mayo Clinic Laboratories, Mayo Clinic
Classification: Uncertain significance. Last evaluated: 2025-09-05. Review status: criteria provided, single submitter. Criteria: ACMG Guidelines, 2015. Collection method: clinical testing. Allele origin: germline. Observed: 1 variant allele.
Comment: PM2_supporting, PM4